The following is an entry in ClinVar:

NM_138927.4(SON):c.4783T>C (p.Ser1595Pro)

Gene: SON (SON DNA and RNA binding protein; plus strand). Cytogenetic location: 21q22.11.
Variant type: single nucleotide variant.
Coding change: c.4783T>C on transcript NM_138927.4 (MANE Select); coding-DNA position 4783, T replaced by C.
Protein change: p.Ser1595Pro; replaces serine 1595 with proline.
Molecular consequence: missense variant. On other transcripts: non-coding transcript variant (1), intron variant (1).
Genome position (GRCh38, 1-based): chr21:33,554,014, T>C. VCF-style: chr21-33554014-T-C. GRCh37 (hg19) VCF-style: chr21-34926320-T-C.
Other names: c.4783T>C, p.Ser1595Pro (NM_001291411.2, NM_032195.3); c.245-3142T>C (NM_001291412.3); short protein forms S1595P.
Identifiers: ClinVar variation 1351671 (VCV001351671.16), dbSNP rs746252717, ClinGen allele CA10009598.
Genomic context (GRCh38, chr21:33,554,014, plus strand): 5'-CGCACAGTATTGGATACCTACCCTGGTGTTAGTGAAGCTGATGCAGGAGAAACTCTATCT[T>C]CTACTGGTCCTTTTGCTCTGGAACCTGATGCAACAGGAACTAGTAAGGGTATTGAATTTA-3'
Protein context (NP_620305.3, residues 1585-1605): SEADAGETLS[Ser1595Pro]TGPFALEPDA

ClinVar aggregate classification (germline): Conflicting classifications of pathogenicity. Review status: criteria provided, conflicting classifications (1 of 4 stars). 3 submissions from 3 submitters: Uncertain significance (1); Likely benign (2). Last evaluated 2025-09-01.

Conditions:
ZTTK syndrome (ZTTKS). Also called: ZTTK MULTIPLE CONGENITAL ANOMALIES-MENTAL RETARDATION SYNDROME; Zhu-Tokita-Takenouchi-Kim Syndrome. Identifiers: Orphanet 500150, MedGen C4310696, MONDO:0014936, OMIM 617140.

Allele frequency attached by ClinVar (database versions not stated): ExAC 0.00002; gnomAD 0.00003; TOPMed 0.00003; gnomAD exomes 0.00004 and 0.00012.
gnomAD v4.1: 172 of 1,614,038 alleles (0.011%); highest among the groups gnomAD compares: Non-Finnish European, 0.014%; no homozygotes.

Submissions (3):

CeGaT Center for Human Genetics Tuebingen
Classification: Likely benign. Last evaluated: 2025-09-01. Review status: criteria provided, single submitter. Criteria: CeGaT Center For Human Genetics Tuebingen Variant Classification Criteria Version 2. Collection method: clinical testing. Allele origin: germline. Affected: yes. Observed: 1 variant allele.
Comment: SON: BP4

Labcorp Genetics (formerly Invitae), Labcorp
Classification: Likely benign. Last evaluated: 2022-12-15. Review status: criteria provided, single submitter. Criteria: Invitae Variant Classification Sherloc (09022015). Collection method: clinical testing. Allele origin: germline.

Fulgent Genetics
Classification: Uncertain significance for ZTTK syndrome. Last evaluated: 2021-08-24. Review status: criteria provided, single submitter. Criteria: ACMG Guidelines, 2015. Collection method: clinical testing. Allele origin: unknown.